The following is an entry in ClinVar:

ClinVar aggregate classification (germline): Uncertain significance (1 of 4 stars; one submission).

Allele frequency attached by ClinVar (database versions not stated): gnomAD exomes below 0.00001.
gnomAD v4.1: 7 of 1,614,184 alleles (0.00043%); highest among the groups gnomAD compares: Non-Finnish European, 0.00059%; no homozygotes.

Submission:

Labcorp Genetics (formerly Invitae), Labcorp
Classification: Uncertain significance. Last evaluated: 2022-10-17. Review status: criteria provided, single submitter. Criteria: Invitae Variant Classification Sherloc (09022015). Collection method: clinical testing. Allele origin: germline.
Comment: In summary, the available evidence is currently insufficient to determine the role of this variant in disease. Therefore, it has been classified as a Variant of Uncertain Significance. Algorithms developed to predict the effect of missense changes on protein structure and function (SIFT, PolyPhen-2, Align-GVGD) all suggest that this variant is likely to be tolerated. ClinVar contains an entry for this variant (Variation ID: 1513811). This variant has not been reported in the literature in individuals affected with ARFGEF2-related conditions. This variant is present in population databases (no rsID available, gnomAD 0.0009%). This sequence change replaces aspartic acid, which is acidic and polar, with asparagine, which is neutral and polar, at codon 1152 of the ARFGEF2 protein (p.Asp1152Asn).

NM_006420.3(ARFGEF2):c.3454G>A (p.Asp1152Asn)

Gene: ARFGEF2 (ARF guanine nucleotide exchange factor 2; plus strand). Cytogenetic location: 20q13.13.
Variant type: single nucleotide variant.
Coding change: c.3454G>A on transcript NM_006420.3 (MANE Select); coding-DNA position 3454, G replaced by A.
Protein change: p.Asp1152Asn; replaces aspartic acid 1152 with asparagine.
Molecular consequence: missense variant.
Genome position (GRCh38, 1-based): chr20:49,005,091, G>A. VCF-style: chr20-49005091-G-A. GRCh37 (hg19) VCF-style: chr20-47621628-G-A.
Other names: short protein forms D1152N.
Identifiers: ClinVar variation 1513811 (VCV001513811.6), dbSNP rs1394719112, ClinGen allele CA409316419.